The following is an entry in ClinVar:

ClinVar aggregate classification (germline): Likely benign. Review status: criteria provided, multiple submitters, no conflicts (2 of 4 stars). 3 submissions from 3 submitters: Likely benign (2). 1 of the submissions does not count toward it. Last evaluated 2021-10-12.

Conditions:
Focal segmental glomerulosclerosis 3, susceptibility to (FSGS3). Identifiers: Orphanet 656, MedGen C1842982, MONDO:0011917, OMIM 607832.
CD2AP-related disorder. Also called: CD2AP-related condition.

Allele frequency attached by ClinVar (database versions not stated): gnomAD exomes 0.00001; gnomAD 0.00011; ExAC 0.00002; TOPMed 0.00009; ESP Exome Variant Server 0.00023.
gnomAD v4.1: 33 of 1,611,100 alleles (0.002%); highest among the groups gnomAD compares: African/African-American, 0.043%; no homozygotes.

Submissions (3):

Fulgent Genetics
Classification: Likely benign for Focal segmental glomerulosclerosis 3, susceptibility to. Last evaluated: 2021-10-12. Review status: criteria provided, single submitter. Criteria: ACMG Guidelines, 2015. Collection method: clinical testing. Allele origin: unknown.

Labcorp Genetics (formerly Invitae), Labcorp
Classification: Likely benign. Last evaluated: 2021-08-04. Review status: criteria provided, single submitter. Criteria: Invitae Variant Classification Sherloc (09022015). Collection method: clinical testing. Allele origin: germline.

PreventionGenetics, part of Exact Sciences
Classification: Likely benign for CD2AP-related condition. Last evaluated: 2019-08-05. Review status: no assertion criteria provided. Collection method: clinical testing. Allele origin: germline. Not counted in ClinVar's aggregate classification.
Comment: This variant is classified as likely benign based on ACMG/AMP sequence variant interpretation guidelines (Richards et al. 2015 PMID: 25741868, with internal and published modifications).

NM_012120.3(CD2AP):c.1641G>A (p.Val547=)

Gene: CD2AP (CD2 associated protein; plus strand). Cytogenetic location: 6p12.3.
Variant type: single nucleotide variant.
Coding change: c.1641G>A on transcript NM_012120.3 (MANE Select); coding-DNA position 1641, G replaced by A.
Protein change: p.Val547=; no amino-acid change (valine 547 retained).
Molecular consequence: synonymous variant.
Genome position (GRCh38, 1-based): chr6:47,609,131, G>A. VCF-style: chr6-47609131-G-A. GRCh37 (hg19) VCF-style: chr6-47576867-G-A.
Identifiers: ClinVar variation 738635 (VCV000738635.13), dbSNP rs375173164, ClinGen allele CA3844425.
Genomic context (GRCh38, chr6:47,609,131, plus strand): 5'-AACGTAAATATAATATTAAATAAAATCAGAAATTTTTTTTTTACGTTTTCAGCCATCTGT[G>A]TACCTTTCAACACCTTCCAGTGCTTCTAAAGCAAATACAACTGCTTTCCTGACTCCATTA-3'
Protein context (NP_036252.1, residues 537-557): KDTCYSPKPS[Val547=]YLSTPSSASK